The following is an entry in ClinVar:

ClinVar aggregate classification (germline): Uncertain significance (1 of 4 stars; one submission).

Conditions:
Congenital disorder of glycosylation type Ir (CDG1R). Also called: DDOST-congenital disorder of glycosylation. Identifiers: Orphanet 300536, MedGen C3281084, MONDO:0013789, OMIM 614507.

Allele frequency attached by ClinVar (database versions not stated): ExAC below 0.00001; gnomAD exomes 0.00004; TOPMed 0.00005.

Submission:

Labcorp Genetics (formerly Invitae), Labcorp
Classification: Uncertain significance for Congenital disorder of glycosylation type Ir. Last evaluated: 2020-07-30. Review status: criteria provided, single submitter. Criteria: Invitae Variant Classification Sherloc (09022015). Collection method: clinical testing. Allele origin: germline.
Comment: The frequency data for this variant in the population databases is considered unreliable, as metrics indicate poor data quality at this position in the ExAC database. In summary, the available evidence is currently insufficient to determine the role of this variant in disease. Therefore, it has been classified as a Variant of Uncertain Significance. Algorithms developed to predict the effect of sequence changes on RNA splicing suggest that this variant may create or strengthen a splice site, but this prediction has not been confirmed by published transcriptional studies. This variant has not been reported in the literature in individuals with DDOST-related conditions. This sequence change affects codon 226 of the DDOST mRNA. It is a 'silent' change, meaning that it does not change the encoded amino acid sequence of the DDOST protein.

NM_005216.5(DDOST):c.627G>A (p.Pro209=)

Gene: DDOST (dolichyl-diphosphooligosaccharide--protein glycosyltransferase non-catalytic subunit; minus strand). Cytogenetic location: 1p36.12.
Variant type: single nucleotide variant.
Coding change: c.627G>A on transcript NM_005216.5 (MANE Select); coding-DNA position 627, G replaced by A.
Protein change: p.Pro209=; no amino-acid change (proline 209 retained).
Molecular consequence: synonymous variant.
Genome position (GRCh38, 1-based): chr1:20,654,632, C>T on the plus strand (G>A on the coding strand, the complement: DDOST is on the minus strand). VCF-style: chr1-20654632-C-T. GRCh37 (hg19) VCF-style: chr1-20981125-C-T.
Identifiers: ClinVar variation 1009035 (VCV001009035.9), dbSNP rs772970010, ClinGen allele CA661168.